The following is an entry in ClinVar:

NM_025114.4(CEP290):c.6360dup (p.Gly2121fs)

Gene: CEP290 (centrosomal protein 290; minus strand). Cytogenetic location: 12q21.32.
Variant type: Duplication.
Coding change: c.6360dup on transcript NM_025114.4 (MANE Select); coding-DNA position 6360, one base duplicated (T; older notation c.6360dupT).
Protein change: p.Gly2121fs; shifts the reading frame from glycine 2121.
Molecular consequence: frameshift variant.
Genome position (GRCh38, 1-based): chr12:88,060,992, A duplicated on the plus strand (T on the coding strand, the reverse complement: CEP290 is on the minus strand). VCF-style (leftmost placement, unchanged base first): chr12-88060991-C-CA. GRCh37 (hg19) VCF-style: chr12-88454768-C-CA.
Other names: short protein forms G2121fs.
Identifiers: ClinVar variation 2944685 (VCV002944685.3), dbSNP rs2499572404, ClinGen allele CA2740092437.

ClinVar aggregate classification (germline): Pathogenic (1 of 4 stars; one submission).

Conditions:
Joubert syndrome. Also called: CEREBELLOPARENCHYMAL DISORDER IV; JOUBERT-BOLTSHAUSER SYNDROME; Familial aplasia of the vermis. Identifiers: Orphanet 475, MedGen C5979921, MONDO:0018772.
Nephronophthisis. Also called: Juvenile Nephronophthisis. Identifiers: Orphanet 655, MedGen C0687120, MONDO:0019005, HP:0000090.
Meckel-Gruber syndrome. Also called: DYSENCEPHALIA SPLANCHNOCYSTICA; GRUBER SYNDROME; Dysencephalia splachnocystica. Identifiers: Orphanet 564, MedGen C0265215, MONDO:0018921.

Submission:

Labcorp Genetics (formerly Invitae), Labcorp
Classification: Pathogenic for Joubert syndrome; Meckel-Gruber syndrome; Nephronophthisis. Last evaluated: 2023-02-24. Review status: criteria provided, single submitter. Criteria: Invitae Variant Classification Sherloc (09022015). Collection method: clinical testing. Allele origin: germline.
Comment: For these reasons, this variant has been classified as Pathogenic. This variant has not been reported in the literature in individuals affected with CEP290-related conditions. This variant is not present in population databases (gnomAD no frequency). This sequence change creates a premature translational stop signal (p.Gly2121Trpfs*2) in the CEP290 gene. It is expected to result in an absent or disrupted protein product. Loss-of-function variants in CEP290 are known to be pathogenic (PMID: 16909394, 17345604, 20690115).

Literature cited by the submitters: PubMed 16909394; PubMed 17345604; PubMed 20690115.